The following is an entry in ClinVar:

ClinVar aggregate classification (germline): Uncertain significance. Review status: criteria provided, multiple submitters, no conflicts (2 of 4 stars). 2 submissions from 2 submitters: Uncertain significance (2). Last evaluated 2026-06-23.

Conditions:
FGFR3-related chondrodysplasia. Identifiers: Orphanet 93420, MedGen C5681604, MONDO:0019685.

gnomAD v4.1: 3 of 1,613,232 alleles (0.00019%); highest among the groups gnomAD compares: Non-Finnish European, 0.00025%; no homozygotes.

Submissions (2):

Genomenon, Inc
Classification: Uncertain significance for FGFR3-related chondrodysplasia. Last evaluated: 2026-06-23. Review status: criteria provided, single submitter. Criteria: Genomenon Sequence Variant Interpretation Standards - Updated. Collection method: curation. Allele origin: germline. Affected: no.
Comment: FGFR3 p.Met528Ile (c.1584G>T) is a missense variant that changes the amino acid at codon 528 from Methionine to Isoleucine. This variant has been reported in the published literature (PMID:25777271;29736252;28166054;27987249;26220993). At least one functional study has demonstrated a substantial alteration in protein function relative to the wild-type (PMID:25777271). It is absent or not present at a significant frequency in gnomAD. In silico models predict that this variant is possibly or probably damaging. In conclusion, we classify FGFR3 p.Met528Ile (c.1584G>T) as a variant of uncertain significance.

Labcorp Genetics (formerly Invitae), Labcorp
Classification: Uncertain significance. Last evaluated: 2025-06-11. Review status: criteria provided, single submitter. Criteria: Invitae Variant Classification Sherloc (09022015). Collection method: clinical testing. Allele origin: germline.
Comment: This sequence change replaces methionine, which is neutral and non-polar, with isoleucine, which is neutral and non-polar, at codon 528 of the FGFR3 protein (p.Met528Ile). This variant is present in population databases (no rsID available, gnomAD 0.0009%). This missense change has been observed in individual(s) with proportionate short stature (PMID: 25777271). Invitae Evidence Modeling of protein sequence and biophysical properties (such as structural, functional, and spatial information, amino acid conservation, physicochemical variation, residue mobility, and thermodynamic stability) has been performed for this missense variant. However, the output from this modeling did not meet the statistical confidence thresholds required to predict the impact of this variant on FGFR3 protein function. Experimental studies have shown that this missense change affects FGFR3 function (PMID: 25777271). In summary, the available evidence is currently insufficient to determine the role of this variant in disease. Therefore, it has been classified as a Variant of Uncertain Significance.

Literature cited by the submitters: PubMed 25777271 (cited by Genomenon, Inc and Labcorp Genetics (formerly Invitae), Labcorp); PubMed 29312610 (cited by Genomenon, Inc); PubMed 29736252 (cited by Genomenon, Inc); PubMed 28166054 (cited by Genomenon, Inc); PubMed 27987249 (cited by Genomenon, Inc); PubMed 26220993 (cited by Genomenon, Inc).

NM_000142.5(FGFR3):c.1584G>T (p.Met528Ile)

Gene: FGFR3 (fibroblast growth factor receptor 3; plus strand). Cytogenetic location: 4p16.3.
Variant type: single nucleotide variant.
Coding change: c.1584G>T on transcript NM_000142.5 (MANE Select); coding-DNA position 1584, G replaced by T.
Protein change: p.Met528Ile; replaces methionine 528 with isoleucine.
Molecular consequence: missense variant. On other transcripts: non-coding transcript variant (1).
Genome position (GRCh38, 1-based): chr4:1,805,608, G>T. VCF-style: chr4-1805608-G-T. GRCh37 (hg19) VCF-style: chr4-1807335-G-T.
Other names: c.1590G>T, p.Met530Ile (NM_001163213.2); c.1587G>T, p.Met529Ile (NM_001354809.2, NM_001354810.2); c.1248G>T, p.Met416Ile (NM_022965.4); short protein forms M528I, M529I, M530I, M416I.
Identifiers: ClinVar variation 4747393 (VCV004747393.2).